The following is an entry in ClinVar:

NM_000204.5(CFI):c.1405G>A (p.Val469Ile)

Gene: CFI (complement factor I; minus strand). Cytogenetic location: 4q25.
Variant type: single nucleotide variant.
Coding change: c.1405G>A on transcript NM_000204.5 (MANE Select); coding-DNA position 1405, G replaced by A.
Protein change: p.Val469Ile; replaces valine 469 with isoleucine.
Molecular consequence: missense variant. On other transcripts: non-coding transcript variant (2).
Genome position (GRCh38, 1-based): chr4:109,746,246, C>T on the plus strand (G>A on the coding strand, the complement: CFI is on the minus strand). VCF-style: chr4-109746246-C-T. GRCh37 (hg19) VCF-style: chr4-110667402-C-T.
Other names: p.Val469Ile; c.1429G>A, p.Val477Ile (NM_001318057.2, NM_001375278.1); c.1384G>A, p.Val462Ile (NM_001331035.2, NM_001375280.1, NM_001375282.1); c.1405G>A, p.Val469Ile (NM_001375279.1, NM_001375281.1); c.1348G>A, p.Val450Ile (NM_001375283.1); c.796G>A, p.Val266Ile (NM_001375284.1); c.1405G>A (NM_000204.4); short protein forms V469I, V477I, V266I, V462I, V450I.
Identifiers: ClinVar variation 2140094 (VCV002140094.6), dbSNP rs763276049, ClinGen allele CA3041922.

ClinVar aggregate classification (germline): Uncertain significance. Review status: criteria provided, multiple submitters, no conflicts (2 of 4 stars). 3 submissions from 3 submitters: Uncertain significance (3). Last evaluated 2026-04-09.

Allele frequency attached by ClinVar (database versions not stated): ExAC 0.00001; gnomAD 0.00001; gnomAD exomes 0.00001; TOPMed 0.00002.
gnomAD v4.1: 17 of 1,614,016 alleles (0.0011%); highest among the groups gnomAD compares: Middle Eastern, 0.016%; no homozygotes.

Submissions (3):

Women's Health and Genetics/Laboratory Corporation of America, LabCorp
Classification: Uncertain significance. Last evaluated: 2026-04-09. Review status: criteria provided, single submitter. Criteria: LabCorp Variant Classification Summary - May 2015. Collection method: clinical testing. Allele origin: germline.
Comment: Variant summary: CFI c.1405G>A (p.Val469Ile) results in a conservative amino acid change in the encoded protein sequence. Algorithms developed to predict the effect of missense changes on protein structure and function all suggest that this variant is likely to be tolerated. The variant was absent in 251390 control chromosomes. The available data on variant occurrences in the general population are insufficient to allow any conclusion about variant significance. To our knowledge, no occurrence of c.1405G>A in individuals affected with CFI-related conditions and no experimental evidence demonstrating its impact on protein function have been reported. ClinVar contains an entry for this variant (Variation ID: 2140094). Based on the evidence outlined above, the variant was classified as uncertain significance.

Labcorp Genetics (formerly Invitae), Labcorp
Classification: Uncertain significance. Last evaluated: 2025-05-19. Review status: criteria provided, single submitter. Criteria: Invitae Variant Classification Sherloc (09022015). Collection method: clinical testing. Allele origin: germline.
Comment: This sequence change replaces valine, which is neutral and non-polar, with isoleucine, which is neutral and non-polar, at codon 469 of the CFI protein (p.Val469Ile). This variant is not present in population databases (gnomAD no frequency). This variant has not been reported in the literature in individuals affected with CFI-related conditions. ClinVar contains an entry for this variant (Variation ID: 2140094). Invitae Evidence Modeling of protein sequence and biophysical properties (such as structural, functional, and spatial information, amino acid conservation, physicochemical variation, residue mobility, and thermodynamic stability) indicates that this missense variant is not expected to disrupt CFI protein function with a negative predictive value of 80%. In summary, the available evidence is currently insufficient to determine the role of this variant in disease. Therefore, it has been classified as a Variant of Uncertain Significance.

Mayo Clinic Laboratories, Mayo Clinic
Classification: Uncertain significance. Last evaluated: 2022-05-04. Review status: criteria provided, single submitter. Criteria: ACMG Guidelines, 2015. Collection method: clinical testing. Allele origin: germline. Observed: 1 variant allele.
Comment: PM2_supporting